The following is an entry in ClinVar:

ClinVar aggregate classification (germline): Uncertain significance. Review status: criteria provided, multiple submitters, no conflicts (2 of 4 stars). 2 submissions from 2 submitters: Uncertain significance (2). Last evaluated 2025-03-17.

Conditions:
Inborn genetic diseases. Identifiers: MedGen C0950123, MeSH D030342.
Chédiak-Higashi syndrome (CHS). Also called: Chediak-Higashi Syndrome. Identifiers: Orphanet 167, MedGen C0007965, MONDO:0008963, OMIM 214500.

Allele frequency attached by ClinVar (database versions not stated): gnomAD exomes below 0.00001.
gnomAD v4.1: 2 of 1,613,932 alleles (0.00012%); highest among the groups gnomAD compares: Non-Finnish European, 0.00017%; no homozygotes.

Submissions (2):

Labcorp Genetics (formerly Invitae), Labcorp
Classification: Uncertain significance for Chédiak-Higashi syndrome. Last evaluated: 2025-03-17. Review status: criteria provided, single submitter. Criteria: Invitae Variant Classification Sherloc (09022015). Collection method: clinical testing. Allele origin: germline.
Comment: This sequence change replaces alanine, which is neutral and non-polar, with threonine, which is neutral and polar, at codon 920 of the LYST protein (p.Ala920Thr). This variant is not present in population databases (gnomAD no frequency). This variant has not been reported in the literature in individuals affected with LYST-related conditions. ClinVar contains an entry for this variant (Variation ID: 1444869). Invitae Evidence Modeling of protein sequence and biophysical properties (such as structural, functional, and spatial information, amino acid conservation, physicochemical variation, residue mobility, and thermodynamic stability) indicates that this missense variant is not expected to disrupt LYST protein function with a negative predictive value of 80%. In summary, the available evidence is currently insufficient to determine the role of this variant in disease. Therefore, it has been classified as a Variant of Uncertain Significance.

Ambry Genetics
Classification: Uncertain significance for Inborn genetic diseases. Last evaluated: 2024-10-09. Review status: criteria provided, single submitter. Criteria: Ambry Variant Classification Scheme 2023. Collection method: clinical testing. Allele origin: germline.

NM_000081.4(LYST):c.2758G>A (p.Ala920Thr)

Gene: LYST (lysosomal trafficking regulator; minus strand). Cytogenetic location: 1q42.3.
Variant type: single nucleotide variant.
Coding change: c.2758G>A on transcript NM_000081.4 (MANE Select); coding-DNA position 2758, G replaced by A.
Protein change: p.Ala920Thr; replaces alanine 920 with threonine.
Molecular consequence: missense variant.
Genome position (GRCh38, 1-based): chr1:235,806,378, C>T on the plus strand (G>A on the coding strand, the complement: LYST is on the minus strand). VCF-style: chr1-235806378-C-T. GRCh37 (hg19) VCF-style: chr1-235969678-C-T.
Other names: c.2758G>A (NM_000081.2); c.2758G>A, p.Ala920Thr (NM_001301365.1); short protein forms A920T.
Identifiers: ClinVar variation 1444869 (VCV001444869.7), dbSNP rs1672835542, ClinGen allele CA344955477.